The following is an entry in ClinVar:

NM_005559.4(LAMA1):c.8685T>C (p.Phe2895=)

Gene: LAMA1 (laminin subunit alpha 1; minus strand). Cytogenetic location: 18p11.31.
Variant type: single nucleotide variant.
Coding change: c.8685T>C on transcript NM_005559.4 (MANE Select); coding-DNA position 8685, T replaced by C.
Protein change: p.Phe2895=; no amino-acid change (phenylalanine 2895 retained).
Molecular consequence: synonymous variant.
Genome position (GRCh38, 1-based): chr18:6,948,428, A>G on the plus strand (T>C on the coding strand, the complement: LAMA1 is on the minus strand). VCF-style: chr18-6948428-A-G. GRCh37 (hg19) VCF-style: chr18-6948427-A-G.
Identifiers: ClinVar variation 3047430 (VCV003047430.2), dbSNP rs778861326, ClinGen allele CA8880397.

ClinVar aggregate classification (germline): Likely benign (0 of 4 stars; one submission).

Conditions:
LAMA1-related disorder. Also called: LAMA1-related condition; LAMA1-related disorders.

Allele frequency attached by ClinVar (database versions not stated): ExAC 0.00001.
gnomAD v4.1: 4 of 1,614,218 alleles (0.00025%); highest among the groups gnomAD compares: Non-Finnish European, 0.00025%; no homozygotes.

Submission:

PreventionGenetics, part of Exact Sciences
Classification: Likely benign for LAMA1-related condition. Last evaluated: 2019-04-03. Review status: no assertion criteria provided. Collection method: clinical testing. Allele origin: germline.
Comment: This variant is classified as likely benign based on ACMG/AMP sequence variant interpretation guidelines (Richards et al. 2015 PMID: 25741868, with internal and published modifications).